The following is an entry in ClinVar:

ClinVar aggregate classification (germline): Uncertain significance (1 of 4 stars; one submission).

Conditions:
Oxoglutaricaciduria. Identifiers: Orphanet 31, MedGen C2752074, MONDO:0008759, OMIM 203740.

Allele frequency attached by ClinVar (database versions not stated): ExAC 0.00003; gnomAD 0.00003; ESP Exome Variant Server 0.00008.
gnomAD v4.1: 111 of 1,614,102 alleles (0.0069%); highest among the groups gnomAD compares: Non-Finnish European, 0.009%; no homozygotes.

Submission:

Labcorp Genetics (formerly Invitae), Labcorp
Classification: Uncertain significance for Oxoglutaricaciduria. Last evaluated: 2025-03-17. Review status: criteria provided, single submitter. Criteria: Invitae Variant Classification Sherloc (09022015). Collection method: clinical testing. Allele origin: germline.
Comment: This sequence change replaces proline, which is neutral and non-polar, with leucine, which is neutral and non-polar, at codon 98 of the OGDH protein (p.Pro98Leu). This variant is present in population databases (rs369389516, gnomAD 0.006%). This variant has not been reported in the literature in individuals affected with OGDH-related conditions. ClinVar contains an entry for this variant (Variation ID: 2150529). An algorithm developed to predict the effect of missense changes on protein structure and function (PolyPhen-2) suggests that this variant is likely to be tolerated. In summary, the available evidence is currently insufficient to determine the role of this variant in disease. Therefore, it has been classified as a Variant of Uncertain Significance.

NM_002541.4(OGDH):c.293C>T (p.Pro98Leu)

Gene: OGDH (oxoglutarate dehydrogenase; plus strand). Cytogenetic location: 7p13.
Variant type: single nucleotide variant.
Coding change: c.293C>T on transcript NM_002541.4 (MANE Select); coding-DNA position 293, C replaced by T.
Protein change: p.Pro98Leu; replaces proline 98 with leucine.
Molecular consequence: missense variant.
Genome position (GRCh38, 1-based): chr7:44,645,397, C>T. VCF-style: chr7-44645397-C-T. GRCh37 (hg19) VCF-style: chr7-44684996-C-T.
Other names: c.293C>T, p.Pro98Leu (NM_001003941.3, NM_001165036.2, NM_001363523.2); short protein forms P98L.
Identifiers: ClinVar variation 2150529 (VCV002150529.4), dbSNP rs369389516, ClinGen allele CA4243512.